The following is an entry in ClinVar:

ClinVar aggregate classification (germline): Uncertain significance (1 of 4 stars; one submission).

Submission:

Labcorp Genetics (formerly Invitae), Labcorp
Classification: Uncertain significance. Last evaluated: 2025-12-18. Review status: criteria provided, single submitter. Criteria: Invitae Variant Classification Sherloc (09022015). Collection method: clinical testing. Allele origin: germline.
Comment: This sequence change replaces valine, which is neutral and non-polar, with isoleucine, which is neutral and non-polar, at codon 843 of the EFTUD2 protein (p.Val843Ile). This variant is present in population databases (no rsID available, gnomAD 0.01%). This variant has not been reported in the literature in individuals affected with EFTUD2-related conditions. Invitae Evidence Modeling of protein sequence and biophysical properties (such as structural, functional, and spatial information, amino acid conservation, physicochemical variation, residue mobility, and thermodynamic stability) indicates that this missense variant is not expected to disrupt EFTUD2 protein function with a negative predictive value of 80%. In summary, the available evidence is currently insufficient to determine the role of this variant in disease. Therefore, it has been classified as a Variant of Uncertain Significance.

NM_004247.4(EFTUD2):c.2527G>A (p.Val843Ile)

Gene: EFTUD2 (elongation factor Tu GTP binding domain containing 2; minus strand). Cytogenetic location: 17q21.31.
Variant type: single nucleotide variant.
Coding change: c.2527G>A on transcript NM_004247.4 (MANE Select); coding-DNA position 2527, G replaced by A.
Protein change: p.Val843Ile; replaces valine 843 with isoleucine.
Molecular consequence: missense variant.
Genome position (GRCh38, 1-based): chr17:44,853,330, C>T on the plus strand (G>A on the coding strand, the complement: EFTUD2 is on the minus strand). VCF-style: chr17-44853330-C-T. GRCh37 (hg19) VCF-style: chr17-42930698-C-T.
Other names: c.2422G>A, p.Val808Ile (NM_001142605.2); c.2527G>A, p.Val843Ile (NM_001258353.2); c.2497G>A, p.Val833Ile (NM_001258354.2); short protein forms V833I, V808I, V843I.
Identifiers: ClinVar variation 4700811 (VCV004700811.1).